The following is an entry in ClinVar:

ClinVar aggregate classification (germline): Uncertain significance (1 of 4 stars; one submission).

gnomAD v4.1: 7 of 1,613,774 alleles (0.00043%); highest among the groups gnomAD compares: Admixed American, 0.012%; no homozygotes.

Submission:

Labcorp Genetics (formerly Invitae), Labcorp
Classification: Uncertain significance. Last evaluated: 2021-07-31. Review status: criteria provided, single submitter. Criteria: Invitae Variant Classification Sherloc (09022015). Collection method: clinical testing. Allele origin: germline.
Comment: In summary, the available evidence is currently insufficient to determine the role of this variant in disease. Therefore, it has been classified as a Variant of Uncertain Significance. Algorithms developed to predict the effect of missense changes on protein structure and function are either unavailable or do not agree on the potential impact of this missense change (SIFT: "Deleterious"; PolyPhen-2: "Benign"; Align-GVGD: "Class C35"). This variant has not been reported in the literature in individuals affected with ERBB4-related conditions. This variant is present in population databases (rs376669939, ExAC 0.03%). This sequence change replaces aspartic acid with glutamic acid at codon 556 of the ERBB4 protein (p.Asp556Glu). The aspartic acid residue is highly conserved and there is a small physicochemical difference between aspartic acid and glutamic acid.

NM_005235.3(ERBB4):c.1668C>G (p.Asp556Glu)

Gene: ERBB4 (erb-b2 receptor tyrosine kinase 4; minus strand). Cytogenetic location: 2q34.
Variant type: single nucleotide variant.
Coding change: c.1668C>G on transcript NM_005235.3 (MANE Select); coding-DNA position 1668, C replaced by G.
Protein change: p.Asp556Glu; replaces aspartic acid 556 with glutamic acid.
Molecular consequence: missense variant.
Genome position (GRCh38, 1-based): chr2:211,673,212, G>C on the plus strand (C>G on the coding strand, the complement: ERBB4 is on the minus strand). VCF-style: chr2-211673212-G-C. GRCh37 (hg19) VCF-style: chr2-212537937-G-C.
Other names: c.1668C>G, p.Asp556Glu (NM_001042599.2); short protein forms D556E.
Identifiers: ClinVar variation 1482865 (VCV001482865.6), dbSNP rs376669939, ClinGen allele CA2088059.
Genomic context (GRCh38, chr2:211,673,212, plus strand): 5'-CTTCAGGCTTACCGGTCCATGGCATGTGAGGAGGCCATCTTCCATCTTCTCACACTGGGG[G>C]TCACACTCCACACAGATGGAGCCATTCTCAAACTCCCGAAATTCACTGTGAAAACATCAG-3'
Protein context (NP_005226.1, residues 546-566): FENGSICVEC[Asp556Glu]PQCEKMEDGL